The following is an entry in ClinVar:

NM_024548.4(CEP97):c.1400T>G (p.Met467Arg)

Gene: CEP97 (centrosomal protein 97; plus strand). Cytogenetic location: 3q12.3.
Variant type: single nucleotide variant.
Coding change: c.1400T>G on transcript NM_024548.4 (MANE Select); coding-DNA position 1400, T replaced by G.
Protein change: p.Met467Arg; replaces methionine 467 with arginine.
Molecular consequence: missense variant.
Genome position (GRCh38, 1-based): chr3:101,758,006, T>G. VCF-style: chr3-101758006-T-G. GRCh37 (hg19) VCF-style: chr3-101476850-T-G.
Other names: c.1223T>G, p.Met408Arg (NM_001303401.2); c.1298T>G, p.Met433Arg (NM_001410784.1); c.1121T>G, p.Met374Arg (NM_001410785.1); short protein forms M433R, M467R, M374R, M408R.
Identifiers: ClinVar variation 2984292 (VCV002984292.3), dbSNP rs183786171, ClinGen allele CA2522122.
Genomic context (GRCh38, chr3:101,758,006, plus strand): 5'-TGTTGGATAAGGAAGAGGAACAGCCTTTATGGGCTGCAAATGAGAATTCTGTTCAAATGA[T>G]GAGAAGTGAAATCAATACAGAGGTAAATGAGAAAGCTGGACTATTACCTTGTCCTGAGCC-3'
Protein context (NP_078824.2, residues 457-477): WAANENSVQM[Met467Arg]RSEINTEVNE

ClinVar aggregate classification (germline): Uncertain significance (1 of 4 stars; one submission).

gnomAD v4.1: 2 of 1,614,198 alleles (0.00012%); highest among the groups gnomAD compares: Admixed American, 0.0017%; no homozygotes.

Submission:

Labcorp Genetics (formerly Invitae), Labcorp
Classification: Uncertain significance. Last evaluated: 2022-11-03. Review status: criteria provided, single submitter. Criteria: Invitae Variant Classification Sherloc (09022015). Collection method: clinical testing. Allele origin: germline.
Comment: This sequence change replaces methionine, which is neutral and non-polar, with arginine, which is basic and polar, at codon 467 of the CEP97 protein (p.Met467Arg). In summary, the available evidence is currently insufficient to determine the role of this variant in disease. Therefore, it has been classified as a Variant of Uncertain Significance. Advanced modeling of protein sequence and biophysical properties (such as structural, functional, and spatial information, amino acid conservation, physicochemical variation, residue mobility, and thermodynamic stability) performed at Invitae indicates that this missense variant is not expected to disrupt CEP97 protein function. This variant has not been reported in the literature in individuals affected with CEP97-related conditions. This variant is present in population databases (rs183786171, gnomAD 0.003%).